The following is an entry in ClinVar:

NM_017777.4(MKS1):c.1299G>A (p.Thr433=)

Gene: MKS1 (MKS transition zone complex subunit 1; minus strand). Cytogenetic location: 17q22.
Variant type: single nucleotide variant.
Coding change: c.1299G>A on transcript NM_017777.4 (MANE Select); coding-DNA position 1299, G replaced by A.
Protein change: p.Thr433=; no amino-acid change (threonine 433 retained).
Molecular consequence: synonymous variant. On other transcripts: intron variant (1).
Genome position (GRCh38, 1-based): chr17:58,207,193, C>T on the plus strand (G>A on the coding strand, the complement: MKS1 is on the minus strand). VCF-style: chr17-58207193-C-T. GRCh37 (hg19) VCF-style: chr17-56284554-C-T.
Other names: c.690G>A, p.Thr230= (NM_001321268.2); c.1299G>A, p.Thr433= (NM_001321269.2); c.1273+701G>A (NM_001330397.2); c.1299G>A (NM_017777.3).
Identifiers: ClinVar variation 1092314 (VCV001092314.10), dbSNP rs749503564, ClinGen allele CA8669169.
Genomic context (GRCh38, chr17:58,207,193, plus strand): 5'-AGAACCGCCAATGAAAAACCTCCTCAGCTCAGCCACCGTGCCAAGCTCCACAGGTCTCCA[C>T]GTGGAGACTGTCAGGGTGTGTGAGCCTGCGCAAGGGAAGAGAAGACTGGGGCCAGGTCCA-3'
Protein context (NP_060247.2, residues 423-443): TPGSHTLTVS[Thr433=]WRPVELGTVA

ClinVar aggregate classification (germline): Likely benign. Review status: criteria provided, multiple submitters, no conflicts (2 of 4 stars). 2 submissions from 2 submitters: Likely benign (2). Last evaluated 2026-01-19.

Conditions:
MKS1-related disorder. Also called: MKS1-related disorders; MKS1-related condition. Identifiers: MedGen CN239382.
Meckel-Gruber syndrome. Also called: Dysencephalia splachnocystica; DYSENCEPHALIA SPLANCHNOCYSTICA; GRUBER SYNDROME. Identifiers: Orphanet 564, MedGen C0265215, MONDO:0018921.
Joubert syndrome. Also called: JOUBERT-BOLTSHAUSER SYNDROME; Familial aplasia of the vermis. Identifiers: Orphanet 475, MedGen C5979921, MONDO:0018772.

Allele frequency attached by ClinVar (database versions not stated): ExAC 0.00001; gnomAD 0.00001; TOPMed 0.00001.
gnomAD v4.1: 15 of 1,614,044 alleles (0.00093%); highest among the groups gnomAD compares: East Asian, 0.0067%; no homozygotes.

Submissions (2):

Labcorp Genetics (formerly Invitae), Labcorp
Classification: Likely benign for Joubert syndrome; Meckel-Gruber syndrome. Last evaluated: 2026-01-19. Review status: criteria provided, single submitter. Criteria: Invitae Variant Classification Sherloc (09022015). Collection method: clinical testing. Allele origin: germline.

PreventionGenetics, part of Exact Sciences
Classification: Likely benign for MKS1-related condition. Last evaluated: 2025-01-17. Review status: criteria provided, single submitter. Criteria: ACMG Guidelines, 2015. Collection method: clinical testing. Allele origin: germline.
Comment: This variant is classified as likely benign based on ACMG/AMP sequence variant interpretation guidelines (Richards et al. 2015 PMID: 25741868, with internal and published modifications).